The following is an entry in ClinVar:

NM_024334.3(TMEM43):c.492G>C (p.Glu164Asp)

Gene: TMEM43 (transmembrane protein 43; plus strand). Cytogenetic location: 3p25.1.
Variant type: single nucleotide variant.
Coding change: c.492G>C on transcript NM_024334.3 (MANE Select); coding-DNA position 492, G replaced by C.
Protein change: p.Glu164Asp; replaces glutamic acid 164 with aspartic acid.
Molecular consequence: missense variant.
Genome position (GRCh38, 1-based): chr3:14,132,915, G>C. VCF-style: chr3-14132915-G-C. GRCh37 (hg19) VCF-style: chr3-14174415-G-C.
Other names: short protein forms E164D.
Identifiers: ClinVar variation 928115 (VCV000928115.11), dbSNP rs949064136, ClinGen allele CA351535209.
Genomic context (GRCh38, chr3:14,132,915, plus strand): 5'-TCCCTGAGCAGACACTGAATGGAGGTCAGAAATCATCAACAGCAAAAACTTCGACCGAGA[G>C]ATTGGCCACAAAAACCCCAGGTGAGAGCCAGGCCCAAGGCCTGAGTGCAGCTTTGTCTAC-3'
Protein context (NP_077310.1, residues 154-174): EIINSKNFDR[Glu164Asp]IGHKNPSAMA

ClinVar aggregate classification (germline): Uncertain significance. Review status: criteria provided, multiple submitters, no conflicts (2 of 4 stars). 4 submissions from 4 submitters: Uncertain significance (4). Last evaluated 2025-10-27.

Conditions:
Cardiovascular phenotype. Identifiers: MedGen CN230736.
Arrhythmogenic right ventricular dysplasia 5. Also called: ARRHYTHMOGENIC RIGHT VENTRICULAR DYSPLASIA, FAMILIAL, 5; Arrhythmogenic Right Ventricular Dysplasia/Cardiomyopathy 5. Identifiers: MedGen C1858379, MONDO:0011459, OMIM 604400.
Cardiomyopathy (CMYO). Also called: Cardiomyopathies. Identifiers: Orphanet 167848, MedGen C0878544, MONDO:0004994, HP:0001638. Inheritance: Various modes of inheritance.

Allele frequency attached by ClinVar (database versions not stated): TOPMed below 0.00001; gnomAD exomes below 0.00001.
gnomAD v4.1: 4 of 1,613,934 alleles (0.00025%); highest among the groups gnomAD compares: Non-Finnish European, 0.00034%; no homozygotes.

Submissions (4):

Labcorp Genetics (formerly Invitae), Labcorp
Classification: Uncertain significance for Arrhythmogenic right ventricular dysplasia 5. Last evaluated: 2025-10-27. Review status: criteria provided, single submitter. Criteria: Invitae Variant Classification Sherloc (09022015). Collection method: clinical testing. Allele origin: germline.
Comment: This sequence change replaces glutamic acid, which is acidic and polar, with aspartic acid, which is acidic and polar, at codon 164 of the TMEM43 protein (p.Glu164Asp). This variant is not present in population databases (gnomAD no frequency). This variant has not been reported in the literature in individuals affected with TMEM43-related conditions. ClinVar contains an entry for this variant (Variation ID: 928115). Invitae Evidence Modeling of protein sequence and biophysical properties (such as structural, functional, and spatial information, amino acid conservation, physicochemical variation, residue mobility, and thermodynamic stability) indicates that this missense variant is not expected to disrupt TMEM43 protein function with a negative predictive value of 80%. In summary, the available evidence is currently insufficient to determine the role of this variant in disease. Therefore, it has been classified as a Variant of Uncertain Significance.

Color Diagnostics, LLC DBA Color Health
Classification: Uncertain significance for Cardiomyopathy. Last evaluated: 2024-03-06. Review status: criteria provided, single submitter. Criteria: ACMG Guidelines, 2015. Collection method: clinical testing. Allele origin: germline.
Comment: This missense variant replaces glutamic acid with aspartic acid at codon 164 of the TMEM43 protein. Computational prediction suggests that this variant may not impact protein structure and function (internally defined REVEL score threshold <= 0.5, PMID: 27666373). To our knowledge, functional studies have not been reported for this variant. This variant has not been reported in individuals affected with TMEM43-related disorders in the literature. This variant has not been identified in the general population by the Genome Aggregation Database (gnomAD). The available evidence is insufficient to determine the role of this variant in disease conclusively. Therefore, this variant is classified as a Variant of Uncertain Significance.

All of Us Research Program, National Institutes of Health
Classification: Uncertain significance for Arrhythmogenic right ventricular dysplasia 5. Last evaluated: 2023-11-02. Review status: criteria provided, single submitter. Criteria: ACMG Guidelines, 2015. Collection method: clinical testing. Allele origin: germline. Inheritance: Autosomal dominant inheritance. Observed: 3 variant alleles, 3 heterozygotes.
Comment: This missense variant replaces glutamic acid with aspartic acid at codon 164 of the TMEM43 protein. Computational prediction suggests that this variant may not impact protein structure and function (internally defined REVEL score threshold <= 0.5, PMID: 27666373). To our knowledge, functional studies have not been reported for this variant. This variant has not been reported in individuals affected with cardiovascular disorders in the literature. This variant has not been identified in the general population by the Genome Aggregation Database (gnomAD). The available evidence is insufficient to determine the role of this variant in disease conclusively. Therefore, this variant is classified as a Variant of Uncertain Significance.

This study involves interpretation of variants in research participants for the purpose of population health screening. Participant phenotype was not available at the time of variant classification. Additional details can be found in publication PMID: 35346344, PMCID: PMC8962531

Ambry Genetics
Classification: Uncertain significance for Cardiovascular phenotype. Last evaluated: 2023-05-30. Review status: criteria provided, single submitter. Criteria: Ambry Variant Classification Scheme 2023. Collection method: clinical testing. Allele origin: germline.
Comment: The p.E164D variant (also known as c.492G>C), located in coding exon 6 of the TMEM43 gene, results from a G to C substitution at nucleotide position 492. The glutamic acid at codon 164 is replaced by aspartic acid, an amino acid with highly similar properties. This amino acid position is conserved. In addition, the in silico prediction for this alteration is inconclusive. Since supporting evidence is limited at this time, the clinical significance of this alteration remains unclear.